The following is an entry in ClinVar:

ClinVar aggregate classification (germline): Benign (1 of 4 stars; one submission).

Conditions:
Maturity-onset diabetes of the young (MODY). Also called: Maturity onset diabetes mellitus in young. Identifiers: Orphanet 552, MedGen C0342276, MONDO:0018911, HP:0004904.

Submission:

Clinical Genomics, Uppaluri K&H Personalized Medicine Clinic
Classification: Benign for Maturity-onset diabetes of the young. Review status: criteria provided, single submitter. Criteria: K & H Uppaluri Personalized Medicine Clinic Variant Classification & Assertion Criteria_Updated V.1. Collection method: research. Allele origin: unknown. Inheritance: Autosomal dominant inheritance.
Comment: Mutations in HNF1A gene can predispose to MODY3. It is associated with both micro and macrovascular complications of diabetes, especially cardiovascular complications. Associated with glucosuria. May respond well to sulfonylureas. However, more evidence is required to confer the association of this particular variant rs1449504165 with MODY3.

Literature cited by the submitters: PubMed 31517624; PubMed 32395877; PubMed 35328643; PubMed 35673428.

NM_000545.8(HNF1A):c.60G>T (p.Gly20=)

Gene: HNF1A (HNF1 homeobox A; plus strand). Cytogenetic location: 12q24.31.
Variant type: single nucleotide variant.
Coding change: c.60G>T on transcript NM_000545.8 (MANE Select); coding-DNA position 60, G replaced by T.
Protein change: p.Gly20=; no amino-acid change (glycine 20 retained).
Molecular consequence: synonymous variant.
Genome position (GRCh38, 1-based): chr12:120,978,828, G>T. VCF-style: chr12-120978828-G-T. GRCh37 (hg19) VCF-style: chr12-121416631-G-T.
Other names: c.60G>T, p.Gly20= (NM_001306179.2, NM_001406915.1).
Identifiers: ClinVar variation 1727232 (VCV001727232.1), dbSNP rs1449504165, ClinGen allele CA482430555.